The following is an entry in ClinVar:

NM_006231.4(POLE):c.2986G>A (p.Gly996Ser)

Gene: POLE (DNA polymerase epsilon, catalytic subunit; minus strand). Cytogenetic location: 12q24.33.
Variant type: single nucleotide variant.
Coding change: c.2986G>A on transcript NM_006231.4 (MANE Select); coding-DNA position 2986, G replaced by A.
Protein change: p.Gly996Ser; replaces glycine 996 with serine.
Molecular consequence: missense variant.
Genome position (GRCh38, 1-based): chr12:132,661,043, C>T on the plus strand (G>A on the coding strand, the complement: POLE is on the minus strand). VCF-style: chr12-132661043-C-T. GRCh37 (hg19) VCF-style: chr12-133237629-C-T.
Other names: short protein forms G996S.
Identifiers: ClinVar variation 1798447 (VCV001798447.2), dbSNP rs1216797884, ClinGen allele CA387392380.

ClinVar aggregate classification (germline): Uncertain significance (1 of 4 stars; one submission).

Conditions:
Hereditary cancer-predisposing syndrome. Also called: Neoplastic Syndromes, Hereditary; Tumor predisposition; Hereditary Cancer Syndrome; Hereditary neoplastic syndrome. Identifiers: Orphanet 140162, MedGen C0027672, MeSH D009386, MONDO:0015356.

Allele frequency attached by ClinVar (database versions not stated): gnomAD exomes below 0.00001.
gnomAD v4.1: 2 of 1,614,164 alleles (0.00012%); highest among the groups gnomAD compares: Admixed American, 0.0017%; no homozygotes.

Submission:

Ambry Genetics
Classification: Uncertain significance for Hereditary cancer-predisposing syndrome. Last evaluated: 2022-04-07. Review status: criteria provided, single submitter. Criteria: Ambry Variant Classification Scheme 2023. Collection method: clinical testing. Allele origin: germline.
Comment: The p.G996S variant (also known as c.2986G>A), located in coding exon 25 of the POLE gene, results from a G to A substitution at nucleotide position 2986. The glycine at codon 996 is replaced by serine, an amino acid with similar properties. This amino acid position is conserved. In addition, the in silico prediction for this alteration is inconclusive. Since supporting evidence is limited at this time, the clinical significance of this alteration remains unclear.